The following is an entry in ClinVar:

ClinVar aggregate classification (germline): Pathogenic/Likely pathogenic. Review status: criteria provided, multiple submitters, no conflicts (2 of 4 stars). 5 submissions from 5 submitters: Pathogenic (3); Likely pathogenic (2). Last evaluated 2024-01-18.

Conditions:
Cone-rod dystrophy and hearing loss 1 (CRDHL1). Identifiers: MedGen C5193018, MONDO:0020778, OMIM 617236.
Cone-rod dystrophy. Also called: Cone/cone-rod dystrophy; Cone-rod degeneration. Identifiers: Orphanet 1872, MedGen C4085590, MONDO:0015993, HP:0000548.

Allele frequency attached by ClinVar (database versions not stated): gnomAD exomes below 0.00001; gnomAD 0.00001; TOPMed 0.00001.

Submissions (5):

Labcorp Genetics (formerly Invitae), Labcorp
Classification: Pathogenic. Last evaluated: 2024-01-18. Review status: criteria provided, single submitter. Criteria: Invitae Variant Classification Sherloc (09022015). Collection method: clinical testing. Allele origin: germline.
Comment: This sequence change creates a premature translational stop signal (p.Val476Glyfs*2) in the CEP78 gene. It is expected to result in an absent or disrupted protein product. Loss-of-function variants in CEP78 are known to be pathogenic (PMID: 27588451, 27588452, 27627988). This variant is present in population databases (no rsID available, gnomAD 0.007%). This premature translational stop signal has been observed in individual(s) with cone-rod dystrophy (PMID: 32531858). ClinVar contains an entry for this variant (Variation ID: 813161). For these reasons, this variant has been classified as Pathogenic.

Ocular Genomics Institute, Massachusetts Eye and Ear
Classification: Likely pathogenic for Cone-rod dystrophy and hearing loss 1. Last evaluated: 2021-04-08. Review status: criteria provided, single submitter. Criteria: ACMG Guidelines, 2015. Collection method: research. Allele origin: germline. Affected: yes.
Comment: Through a review of available evidence we were able to apply the following criteria: PVS1, PM2. Based on this evidence we have classified this variant as Likely Pathogenic.

Institute of Medical Genetics and Applied Genomics, University Hospital Tübingen
Classification: Likely pathogenic. Last evaluated: 2020-10-23. Review status: criteria provided, single submitter. Criteria: ACMG Guidelines, 2015. Collection method: clinical testing. Allele origin: germline. Inheritance: Autosomal recessive inheritance. Affected: yes.

Molecular Genetics Laboratory, Institute for Ophthalmic Research
Classification: Pathogenic for Cone-rod dystrophy. Last evaluated: 2020-01-09. Review status: criteria provided, single submitter. Criteria: ACMG Guidelines, 2015. Collection method: research. Allele origin: germline. Affected: yes.

CeGaT Center for Human Genetics Tuebingen
Classification: Pathogenic. Last evaluated: 2019-07-01. Review status: criteria provided, single submitter. Criteria: CeGaT Center For Human Genetics Tuebingen Variant Classification Criteria Version 2. Collection method: clinical testing. Allele origin: germline. Affected: yes. Observed: 3 variant alleles.

Literature cited by the submitters: PubMed 27588451 (cited by Labcorp Genetics (formerly Invitae), Labcorp); PubMed 27588452 (cited by Labcorp Genetics (formerly Invitae), Labcorp); PubMed 27627988 (cited by Labcorp Genetics (formerly Invitae), Labcorp); PubMed 32531858 (cited by Labcorp Genetics (formerly Invitae), Labcorp).

NM_001330691.3(CEP78):c.1424del (p.Val475fs)

Gene: CEP78 (centrosomal protein 78; plus strand). Cytogenetic location: 9q21.2.
Variant type: Deletion.
Coding change: c.1424del on transcript NM_001330691.3 (MANE Select); coding-DNA position 1424, one base deleted (T; older notation c.1424delT).
Protein change: p.Val475fs; shifts the reading frame from valine 475.
Molecular consequence: frameshift variant.
Genome position (GRCh38, 1-based): chr9:78,262,950, T deleted. VCF-style (leftmost placement, unchanged base first): chr9-78262949-GT-G. GRCh37 (hg19) VCF-style: chr9-80877865-GT-G.
Other names: c.1427del, p.Val476fs (NM_001098802.3, NM_001349839.2, NM_001349840.2 and 1 more transcripts); c.1424del, p.Val475fs (NM_001330693.3, NM_001330694.2, NM_001349838.2); short protein forms V475fs, V476fs.
Identifiers: ClinVar variation 813161 (VCV000813161.47), dbSNP rs1196886096, ClinGen allele CA465541883.